The following is an entry in ClinVar:

ClinVar aggregate classification (germline): Likely pathogenic (1 of 4 stars; one submission).

gnomAD v4.1: 1 of 1,613,958 alleles (0.000062%); highest among the groups gnomAD compares: Non-Finnish European, 0.000085%; no homozygotes.

Submission:

GeneDx
Classification: Likely pathogenic. Last evaluated: 2023-04-14. Review status: criteria provided, single submitter. Criteria: GeneDx Variant Classification Process June 2021. Collection method: clinical testing. Allele origin: germline. Affected: yes.
Comment: Nonsense variant predicted to result in protein truncation, as the last 111 amino acids are lost, and other loss-of-function variants have been reported downstream in HGMD; Reported in a patient referred for genetic testing for DCM in published literature; however, specific clinical information was not provided (Jansen et al., 2019); Not observed in large population cohorts (gnomAD); Located in the M-line region of TTN in which the majority of loss of function variants have been associated with autosomal recessive titinopathies (Carmignac et al., 2007); This variant is associated with the following publications: (PMID: 17444505, 31112426)

NM_001267550.2(TTN):c.107641G>T (p.Glu35881Ter)

Genes: TTN (titin; minus strand), TTN-AS1 (TTN antisense RNA 1; plus strand). Cytogenetic location: 2q31.2.
Variant type: single nucleotide variant.
Coding change: c.107641G>T on transcript NM_001267550.2 (MANE Select); coding-DNA position 107641, G replaced by T.
Protein change: p.Glu35881Ter; replaces glutamic acid 35881 with a stop codon.
Molecular consequence: nonsense.
Genome position (GRCh38, 1-based): chr2:178,527,485, C>A on the plus strand (G>T on the coding strand, the complement: TTN is on the minus strand). VCF-style: chr2-178527485-C-A. GRCh37 (hg19) VCF-style: chr2-179392212-C-A.
Other names: c.102718G>T, p.Glu34240Ter (NM_001256850.1); c.80446G>T, p.Glu26816Ter (NM_003319.4); c.99937G>T, p.Glu33313Ter (NM_133378.4); c.80821G>T, p.Glu26941Ter (NM_133432.3); c.81022G>T, p.Glu27008Ter (NM_133437.4); short protein forms E26816*, E26941*, E27008*, E33313*, E34240*, E35881*.
Identifiers: ClinVar variation 2499944 (VCV002499944.1), dbSNP rs2468245602, ClinGen allele CA349399842.